The following is an entry in ClinVar:

NM_000612.6(IGF2):c.521A>C (p.Glu174Ala)

Genes: IGF2 (insulin like growth factor 2; minus strand), INS-IGF2 (INS-IGF2 readthrough; minus strand). Cytogenetic location: 11p15.5.
Variant type: single nucleotide variant.
Coding change: c.521A>C on transcript NM_000612.6 (MANE Select); coding-DNA position 521, A replaced by C.
Protein change: p.Glu174Ala; replaces glutamic acid 174 with alanine.
Molecular consequence: missense variant. On other transcripts: non-coding transcript variant (1).
Genome position (GRCh38, 1-based): chr11:2,133,009, T>G on the plus strand (A>C on the coding strand, the complement: IGF2 is on the minus strand). VCF-style: chr11-2133009-T-G. GRCh37 (hg19) VCF-style: chr11-2154239-T-G.
Other names: c.521A>C, p.Glu174Ala (NM_001007139.6, NM_001291861.3, NM_001291862.3); c.689A>C, p.Glu230Ala (NM_001127598.3); short protein forms E174A, E230A.
Identifiers: ClinVar variation 3061189 (VCV003061189.2), dbSNP rs2495569951, ClinGen allele CA379112986.
Genomic context (GRCh38, chr11:2,133,009, plus strand): 5'-GATGGTGGCGCCGGGCTGCAGACTTGCGGCAGTTTTGCTCACTTCCGATTGCTGGCCATC[T>G]CTGGGGGGGCGCCCCCGTGGGCGGGGTCTTGGGTGGGTAGAGCAATCAGGGGACGGTGAC-3'
Protein context (NP_000603.1, residues 164-180): QDPAHGGAPP[Glu174Ala]MASNRK

ClinVar aggregate classification (germline): Uncertain significance (0 of 4 stars; one submission).

Conditions:
IGF2-related disorder. Also called: IGF2-related condition.

Submission:

PreventionGenetics, part of Exact Sciences
Classification: Uncertain significance for IGF2-related condition. Last evaluated: 2024-02-26. Review status: no assertion criteria provided. Collection method: clinical testing. Allele origin: germline.
Comment: The IGF2 c.521A>C variant is predicted to result in the amino acid substitution p.Glu174Ala. To our knowledge, this variant has not been reported in the literature or in a large population database, indicating this variant is rare. At this time, the clinical significance of this variant is uncertain due to the absence of conclusive functional and genetic evidence.